The following is an entry in ClinVar:

ClinVar aggregate classification (germline): Conflicting classifications of pathogenicity. Review status: criteria provided, conflicting classifications (1 of 4 stars). 7 submissions from 7 submitters: Pathogenic (1); Uncertain significance (5); Likely benign (1). Last evaluated 2026-01-28.

Conditions:
Methylmalonic aciduria due to methylmalonyl-CoA mutase deficiency (MAMM). Also called: Methylmalonic aciduria, mut type. Identifiers: Orphanet 27, MedGen C1855114, MONDO:0009612, OMIM 251000.
Peroxisome biogenesis disorder 8A (Zellweger). Also called: Peroxisome biogenesis disorder 8A. Identifiers: Orphanet 912, MedGen C3553959, MONDO:0013942, OMIM 614876.
Peroxisome biogenesis disorder 8B (PBD8B). Identifiers: Orphanet 44, MedGen C3553960, MONDO:0013943, OMIM 614877.

Allele frequency attached by ClinVar (database versions not stated): gnomAD exomes 0.00003 and 0.00012; gnomAD 0.00007; ExAC 0.00011; TOPMed 0.00014.
gnomAD v4.1: 61 of 1,613,524 alleles (0.0038%); highest among the groups gnomAD compares: East Asian, 0.11%; 1 homozygote.

Submissions (7):

Labcorp Genetics (formerly Invitae), Labcorp
Classification: Pathogenic. Last evaluated: 2026-01-28. Review status: criteria provided, single submitter. Criteria: Invitae Variant Classification Sherloc (09022015). Collection method: clinical testing. Allele origin: germline.
Comment: This sequence change replaces arginine, which is basic and polar, with cysteine, which is neutral and slightly polar, at codon 655 of the MUT protein (p.Arg655Cys). This variant is present in population databases (rs541001298, gnomAD 0.2%). This missense change has been observed in individual(s) with clinical features of methylmalonic aciduria (internal data). In at least one individual the data is consistent with being in trans (on the opposite chromosome) from a pathogenic variant. ClinVar contains an entry for this variant (Variation ID: 909634). Invitae Evidence Modeling of protein sequence and biophysical properties (such as structural, functional, and spatial information, amino acid conservation, physicochemical variation, residue mobility, and thermodynamic stability) indicates that this missense variant is expected to disrupt MUT protein function with a positive predictive value of 95%. For these reasons, this variant has been classified as Pathogenic.

GeneDx
Classification: Uncertain significance. Last evaluated: 2025-03-11. Review status: criteria provided, single submitter. Criteria: GeneDx Variant Classification Process June 2021. Collection method: clinical testing. Allele origin: germline. Affected: yes.
Comment: Observed in a patient with mut-type methylmalonic acidemia, however it is unclear if a second variant was identified (PMID: 37316190); In silico analysis supports that this missense variant has a deleterious effect on protein structure/function; This variant is associated with the following publications: (PMID: 39076170, 37316190)

Ambry Genetics
Classification: Likely benign. Last evaluated: 2023-10-05. Review status: criteria provided, single submitter. Criteria: Ambry Variant Classification Scheme 2023. Collection method: clinical testing. Allele origin: germline.

Fulgent Genetics
Classification: Uncertain significance for Methylmalonic aciduria due to methylmalonyl-CoA mutase deficiency. Last evaluated: 2022-05-10. Review status: criteria provided, single submitter. Criteria: ACMG Guidelines, 2015. Collection method: clinical testing. Allele origin: unknown.

Elsea Laboratory, Baylor College of Medicine
Classification: Uncertain significance for Peroxisome biogenesis disorder 8A (Zellweger); Peroxisome biogenesis disorder 8B. Last evaluated: 2020-04-01. Review status: criteria provided, single submitter. Criteria: ACMG Guidelines, 2015. Collection method: clinical testing. Allele origin: paternal. Affected: no.

Illumina Laboratory Services, Illumina
Classification: Uncertain significance for Methylmalonic aciduria due to methylmalonyl-CoA mutase deficiency. Last evaluated: 2018-01-13. Review status: criteria provided, single submitter. Criteria: ICSL Variant Classification Criteria 13 December 2019. Collection method: clinical testing. Allele origin: germline.

Juno Genomics, Hangzhou Juno Genomics, Inc
Classification: Uncertain significance for Methylmalonic aciduria due to methylmalonyl-CoA mutase deficiency. Review status: criteria provided, single submitter. Criteria: ACMG Guidelines, 2015. Collection method: clinical testing. Allele origin: germline.
Comment: Absent from controls (or at extremely low frequency if recessive) in Genome Aggregation Database.;Patient's phenotype or family history is highly specific for a disease with a single genetic etiology.;Multiple lines of computational evidence support a deleterious effect on the gene or gene product.

NM_000255.4(MMUT):c.1963C>T (p.Arg655Cys)

Gene: MMUT (methylmalonyl-CoA mutase; minus strand). Cytogenetic location: 6p12.3.
Variant type: single nucleotide variant.
Coding change: c.1963C>T on transcript NM_000255.4 (MANE Select); coding-DNA position 1963, C replaced by T.
Protein change: p.Arg655Cys; replaces arginine 655 with cysteine.
Molecular consequence: missense variant.
Genome position (GRCh38, 1-based): chr6:49,435,617, G>A on the plus strand (C>T on the coding strand, the complement: MMUT is on the minus strand). VCF-style: chr6-49435617-G-A. GRCh37 (hg19) VCF-style: chr6-49403330-G-A.
Other names: short protein forms R655C.
Identifiers: ClinVar variation 909634 (VCV000909634.16), dbSNP rs541001298, ClinGen allele CA3846688.